The following is an entry in ClinVar:

ClinVar aggregate classification (germline): Uncertain significance (1 of 4 stars; one submission).

Conditions:
Hereditary cancer-predisposing syndrome. Also called: Neoplastic Syndromes, Hereditary; Hereditary Cancer Syndrome; Hereditary neoplastic syndrome; Tumor predisposition. Identifiers: Orphanet 140162, MedGen C0027672, MeSH D009386, MONDO:0015356.

Submission:

Ambry Genetics
Classification: Uncertain significance for Hereditary cancer-predisposing syndrome. Last evaluated: 2023-05-13. Review status: criteria provided, single submitter. Criteria: Ambry Variant Classification Scheme 2023. Collection method: clinical testing. Allele origin: germline.
Comment: The p.D297E variant (also known as c.891C>A), located in coding exon 5 of the MEN1 gene, results from a C to A substitution at nucleotide position 891. The aspartic acid at codon 297 is replaced by glutamic acid, an amino acid with highly similar properties. This amino acid position is conserved. In addition, this alteration is predicted to be tolerated by in silico analysis. Since supporting evidence is limited at this time, the clinical significance of this alteration remains unclear.

NM_001370259.2(MEN1):c.891C>A (p.Asp297Glu)

Gene: MEN1 (menin 1; minus strand). Cytogenetic location: 11q13.1.
Variant type: single nucleotide variant.
Coding change: c.891C>A on transcript NM_001370259.2 (MANE Select); coding-DNA position 891, C replaced by A.
Protein change: p.Asp297Glu; replaces aspartic acid 297 with glutamic acid.
Molecular consequence: missense variant. On other transcripts: non-coding transcript variant (4).
Genome position (GRCh38, 1-based): chr11:64,807,032, G>T on the plus strand (C>A on the coding strand, the complement: MEN1 is on the minus strand). VCF-style: chr11-64807032-G-T. GRCh37 (hg19) VCF-style: chr11-64574504-G-T.
Other names: c.906C>A, p.Asp302Glu (NM_000244.4, NM_001407145.1, NM_001407150.1 and 5 more transcripts); c.891C>A, p.Asp297Glu (NM_001370251.2, NM_001370260.2, NM_001370261.2 and 7 more transcripts); c.786C>A, p.Asp262Glu (NM_001370262.2, NM_001370263.2, NM_001407148.1 and 2 more transcripts); short protein forms D297E, D302E, D262E.
Identifiers: ClinVar variation 2564985 (VCV002564985.2), dbSNP rs2136128285, ClinGen allele CA381183523.